The following is an entry in ClinVar:

NM_000202.8(IDS):c.115G>A (p.Val39Ile)

Gene: IDS (iduronate 2-sulfatase; minus strand). Cytogenetic location: Xq28.
Variant type: single nucleotide variant.
Coding change: c.115G>A on transcript NM_000202.8 (MANE Select); coding-DNA position 115, G replaced by A.
Protein change: p.Val39Ile; replaces valine 39 with isoleucine.
Molecular consequence: missense variant. On other transcripts: 5 prime UTR variant (1), non-coding transcript variant (1).
Genome position (GRCh38, 1-based): chrX:149,504,282, C>T on the plus strand (G>A on the coding strand, the complement: IDS is on the minus strand). VCF-style: chrX-149504282-C-T. GRCh37 (hg19) VCF-style: chrX-148585812-C-T.
Other names: c.-112G>A (NM_001166550.4); c.115G>A, p.Val39Ile (NM_006123.5); short protein forms V39I.
Identifiers: ClinVar variation 3253553 (VCV003253553.1), dbSNP rs931984538.

ClinVar aggregate classification (germline): Uncertain significance (1 of 4 stars; one submission).

Allele frequency attached by ClinVar (database versions not stated): gnomAD 0.00001; TOPMed 0.00001.
gnomAD v4.1: 2 of 1,202,353 alleles (0.00017%); highest among the groups gnomAD compares: Non-Finnish European, 0.00022%; no homozygotes.

Submission:

GeneDx
Classification: Uncertain significance. Last evaluated: 2023-12-18. Review status: criteria provided, single submitter. Criteria: GeneDx Variant Classification Process June 2021. Collection method: clinical testing. Allele origin: germline. Affected: yes.
Comment: Not observed at significant frequency in large population cohorts (gnomAD); In silico analysis supports that this missense variant does not alter protein structure/function; Has not been previously published as pathogenic or benign to our knowledge